The following is an entry in ClinVar:

NM_002528.6(NTHL1):c.5G>A (p.Cys2Tyr)

Genes: NTHL1 (nth like DNA glycosylase 1; minus strand), LOC130058209 (ATAC-STARR-seq lymphoblastoid active region 10253; plus strand). Cytogenetic location: 16p13.3.
Variant type: single nucleotide variant.
Coding change: c.5G>A on transcript NM_002528.6; coding-DNA position 5, G replaced by A.
Protein change: p.Cys2Tyr; replaces cysteine 2 with tyrosine.
Genome position (GRCh38, 1-based): chr16:2,047,843, C>T on the plus strand (G>A on the coding strand, the complement: NTHL1 is on the minus strand). VCF-style: chr16-2047843-C-T. GRCh37 (hg19) VCF-style: chr16-2097844-C-T.
Other names: c.5G>A (NM_002528.5); short protein forms C2Y.
Identifiers: ClinVar variation 648987 (VCV000648987.9), dbSNP rs749337739, ClinGen allele CA394298927.

ClinVar aggregate classification (germline): Uncertain significance. Review status: criteria provided, multiple submitters, no conflicts (2 of 4 stars). 2 submissions from 2 submitters: Uncertain significance (2). Last evaluated 2024-08-29.

Conditions:
Hereditary cancer-predisposing syndrome. Also called: Tumor predisposition; Hereditary neoplastic syndrome; Neoplastic Syndromes, Hereditary; Hereditary Cancer Syndrome. Identifiers: Orphanet 140162, MedGen C0027672, MeSH D009386, MONDO:0015356.

Submissions (2):

Labcorp Genetics (formerly Invitae), Labcorp
Classification: Uncertain significance. Last evaluated: 2024-08-29. Review status: criteria provided, single submitter. Criteria: Invitae Variant Classification Sherloc (09022015). Collection method: clinical testing. Allele origin: germline.
Comment: This sequence change replaces cysteine, which is neutral and slightly polar, with tyrosine, which is neutral and polar, at codon 2 of the NTHL1 protein (p.Cys2Tyr). This variant is not present in population databases (gnomAD no frequency). This variant has not been reported in the literature in individuals affected with NTHL1-related conditions. ClinVar contains an entry for this variant (Variation ID: 648987). An algorithm developed to predict the effect of missense changes on protein structure and function (PolyPhen-2) suggests that this variant is likely to be disruptive. In summary, the available evidence is currently insufficient to determine the role of this variant in disease. Therefore, it has been classified as a Variant of Uncertain Significance.

Ambry Genetics
Classification: Uncertain significance for Hereditary cancer-predisposing syndrome. Last evaluated: 2021-12-14. Review status: criteria provided, single submitter. Criteria: Ambry Variant Classification Scheme 2023. Collection method: clinical testing. Allele origin: germline.
Comment: The p.C2Y variant (also known as c.5G>A), located in coding exon 1 of the NTHL1 gene, results from a G to A substitution at nucleotide position 5. The cysteine at codon 2 is replaced by tyrosine, an amino acid with highly dissimilar properties. This alteration was identified in an individual diagnosed with breast cancer (Li N et al. NPJ Breast Cancer, 2021 May;7:52). This amino acid position is not well conserved in available vertebrate species. In addition, this alteration is predicted to be tolerated by in silico analysis. Since supporting evidence is limited at this time, the clinical significance of this alteration remains unclear.

Literature cited by the submitters: PubMed 33980861 (cited by Ambry Genetics).